The following is an entry in ClinVar:

NM_002880.4(RAF1):c.784A>G (p.Asn262Asp)

Gene: RAF1 (Raf-1 proto-oncogene, serine/threonine kinase; minus strand). Cytogenetic location: 3p25.2.
Variant type: single nucleotide variant.
Coding change: c.784A>G on transcript NM_002880.4 (MANE Select); coding-DNA position 784, A replaced by G.
Protein change: p.Asn262Asp; replaces asparagine 262 with aspartic acid.
Molecular consequence: missense variant. On other transcripts: non-coding transcript variant (3).
Genome position (GRCh38, 1-based): chr3:12,604,186, T>C on the plus strand (A>G on the coding strand, the complement: RAF1 is on the minus strand). VCF-style: chr3-12604186-T-C. GRCh37 (hg19) VCF-style: chr3-12645685-T-C.
Other names: c.784A>G, p.Asn262Asp (NM_001354689.3, NM_001354690.3); c.541A>G, p.Asn181Asp (NM_001354691.3, NM_001354692.3, NM_001354694.3); c.685A>G, p.Asn229Asp (NM_001354693.3); c.442A>G, p.Asn148Asp (NM_001354695.3); short protein forms N262D, N148D, N181D, N229D.
Identifiers: ClinVar variation 3429947 (VCV003429947.4).

ClinVar aggregate classification (germline): Likely pathogenic. Review status: criteria provided, multiple submitters, no conflicts (2 of 4 stars). 2 submissions from 2 submitters: Likely pathogenic (2). Last evaluated 2025-05-23.

Conditions:
RASopathy. Also called: rasopathies; Noonan spectrum disorder. Identifiers: Orphanet 536391, MedGen C5555857, MONDO:0021060.
Cardiovascular phenotype. Identifiers: MedGen CN230736.

Submissions (2):

Ambry Genetics
Classification: Likely pathogenic for Cardiovascular phenotype. Last evaluated: 2025-05-23. Review status: criteria provided, single submitter. Criteria: Ambry Variant Classification Scheme 2023. Collection method: clinical testing. Allele origin: germline.
Comment: The p.N262D variant (also known as c.784A>G), located in coding exon 6 of the RAF1 gene, results from an A to G substitution at nucleotide position 784. The asparagine at codon 262 is replaced by aspartic acid, an amino acid with highly similar properties. This alteration is located in the consensus recognition site for 14-3-3, which is a hotspot for RAF1-related RASopathy mutations, and mutations in this region have been associated with a high prevalence of hypertrophic cardiomyopathy (Pandit B et al. Nat. Genet. 2007;39:1007-12). This variant was reported in individual(s) with features consistent with RAF1-related RASopathy, particularly hypertrophic cardiomyopathy; in at least one individual, it was determined to be de novo or the result of germline mosaicism (Ambry internal data; external communication). This amino acid position is highly conserved in available vertebrate species. In addition, the in silico prediction for this alteration is inconclusive. This variant is considered to be rare based on population cohorts in the Genome Aggregation Database (gnomAD). Based on the majority of available evidence to date, this variant is likely to be pathogenic.

Labcorp Genetics (formerly Invitae), Labcorp
Classification: Likely pathogenic for RASopathy. Last evaluated: 2024-03-13. Review status: criteria provided, single submitter. Criteria: Invitae Variant Classification Sherloc (09022015). Collection method: clinical testing. Allele origin: germline.
Comment: This sequence change replaces asparagine, which is neutral and polar, with aspartic acid, which is acidic and polar, at codon 262 of the RAF1 protein (p.Asn262Asp). This variant is not present in population databases (gnomAD no frequency). This variant has not been reported in the literature in individuals affected with RAF1-related conditions. Advanced modeling of protein sequence and biophysical properties (such as structural, functional, and spatial information, amino acid conservation, physicochemical variation, residue mobility, and thermodynamic stability) performed at Invitae indicates that this missense variant is expected to disrupt RAF1 protein function with a positive predictive value of 95%. This variant disrupts the p.Asn262 amino acid residue in RAF1. Other variant(s) that disrupt this residue have been determined to be pathogenic (PMID: 30732632, 34411415). This suggests that this residue is clinically significant, and that variants that disrupt this residue are likely to be disease-causing. In summary, the currently available evidence indicates that the variant is pathogenic, but additional data are needed to prove that conclusively. Therefore, this variant has been classified as Likely Pathogenic.

Literature cited by the submitters: PubMed 17603483 (cited by Ambry Genetics); PubMed 30732632 (cited by Labcorp Genetics (formerly Invitae), Labcorp); PubMed 34411415 (cited by Labcorp Genetics (formerly Invitae), Labcorp).